The following is an entry in ClinVar:

ClinVar aggregate classification (germline): Uncertain significance (1 of 4 stars; one submission).

Allele frequency attached by ClinVar (database versions not stated): gnomAD exomes below 0.00001; TOPMed below 0.00001.
gnomAD v4.1: 5 of 1,613,640 alleles (0.00031%); highest among the groups gnomAD compares: Non-Finnish European, 0.00034%; no homozygotes.

Submission:

Labcorp Genetics (formerly Invitae), Labcorp
Classification: Uncertain significance. Last evaluated: 2022-07-14. Review status: criteria provided, single submitter. Criteria: Invitae Variant Classification Sherloc (09022015). Collection method: clinical testing. Allele origin: germline.
Comment: This variant is present in population databases (no rsID available, gnomAD no frequency). This variant has not been reported in the literature in individuals affected with MYSM1-related conditions. Algorithms developed to predict the effect of missense changes on protein structure and function (SIFT, PolyPhen-2, Align-GVGD) all suggest that this variant is likely to be tolerated. In summary, the available evidence is currently insufficient to determine the role of this variant in disease. Therefore, it has been classified as a Variant of Uncertain Significance. This sequence change replaces glycine, which is neutral and non-polar, with aspartic acid, which is acidic and polar, at codon 304 of the MYSM1 protein (p.Gly304Asp).

NM_001085487.3(MYSM1):c.911G>A (p.Gly304Asp)

Gene: MYSM1 (Myb like, SWIRM and MPN domains 1; minus strand). Cytogenetic location: 1p32.1.
Variant type: single nucleotide variant.
Coding change: c.911G>A on transcript NM_001085487.3 (MANE Select); coding-DNA position 911, G replaced by A.
Protein change: p.Gly304Asp; replaces glycine 304 with aspartic acid.
Molecular consequence: missense variant.
Genome position (GRCh38, 1-based): chr1:58,682,133, C>T on the plus strand (G>A on the coding strand, the complement: MYSM1 is on the minus strand). VCF-style: chr1-58682133-C-T. GRCh37 (hg19) VCF-style: chr1-59147805-C-T.
Other names: short protein forms G304D.
Identifiers: ClinVar variation 2016984 (VCV002016984.4), dbSNP rs1378119643, ClinGen allele CA340526835.